The following is an entry in ClinVar:

ClinVar aggregate classification (germline): Likely pathogenic (1 of 4 stars; one submission).

Conditions:
Maple syrup urine disease (MSUD). Identifiers: Orphanet 511, MedGen C0024776, MeSH D008375, MONDO:0009563. Disease mechanism: loss of function.

Submission:

Myriad Genetics, Inc.
Classification: Likely pathogenic for Maple syrup urine disease type 1A. Last evaluated: 2022-03-02. Review status: criteria provided, single submitter. Criteria: Myriad Women's Health Autosomal Recessive and X-Linked Classification Criteria (2021). Collection method: clinical testing. Allele origin: unknown.
Comment: NM_183050.2(BCKDHB):c.559_560delGG(G187Lfs*14) is expected to be pathogenic in the context of maple syrup urine disease type Ib. This variant is predicted to lead to an abnormal or absent protein product due to the creation of a premature termination codon in BCKDHB, a gene where loss-of-function variants are known to be pathogenic. Please note: this variant was assessed in the context of healthy population screening.

NM_183050.4(BCKDHB):c.559_560del (p.Gly187fs)

Gene: BCKDHB (branched chain keto acid dehydrogenase E1 subunit beta; plus strand). Cytogenetic location: 6q14.1.
Variant type: Deletion.
Coding change: c.559_560del on transcript NM_183050.4 (MANE Select); coding-DNA positions 559 to 560, 2 bases deleted (GG; older notation c.559_560delGG).
Protein change: p.Gly187fs; shifts the reading frame from glycine 187.
Molecular consequence: frameshift variant. On other transcripts: non-coding transcript variant (1).
Genome position (GRCh38, 1-based): chr6:80,168,956-80,168,957, GG deleted; deleting any 2 consecutive bases within chr6:80,168,954-80,168,957 gives the same sequence; the c. name uses the placement nearest the transcript's 3' end. VCF-style (leftmost placement, unchanged base first): chr6-80168953-TGG-T. GRCh37 (hg19) VCF-style: chr6-80878670-TGG-T.
Other names: c.559_560del, p.Gly187fs (NM_000056.5); c.349_350del, p.Gly117fs (NM_001318975.1); short protein forms G117fs, G187fs.
Identifiers: ClinVar variation 1724904 (VCV001724904.2), dbSNP rs2481899561, ClinGen allele CA2580075912.